The following is an entry in ClinVar:

ClinVar aggregate classification (germline): Uncertain significance (1 of 4 stars; one submission).

Conditions:
Cardiovascular phenotype. Identifiers: MedGen CN230736.

gnomAD v4.1: 2 of 1,614,188 alleles (0.00012%); highest among the groups gnomAD compares: South Asian, 0.0011%; no homozygotes.

Submission:

Ambry Genetics
Classification: Uncertain significance for Cardiovascular phenotype. Last evaluated: 2022-12-06. Review status: criteria provided, single submitter. Criteria: Ambry Variant Classification Scheme 2023. Collection method: clinical testing. Allele origin: germline.
Comment: The p.R680W variant (also known as c.2038C>T), located in coding exon 15 of the MYH6 gene, results from a C to T substitution at nucleotide position 2038. The arginine at codon 680 is replaced by tryptophan, an amino acid with dissimilar properties. This amino acid position is conserved. In addition, this alteration is predicted to be tolerated by in silico analysis. Since supporting evidence is limited at this time, the clinical significance of this alteration remains unclear.

NM_002471.4(MYH6):c.2038C>T (p.Arg680Trp)

Gene: MYH6 (myosin heavy chain 6; minus strand). Cytogenetic location: 14q11.2.
Variant type: single nucleotide variant.
Coding change: c.2038C>T on transcript NM_002471.4 (MANE Select); coding-DNA position 2038, C replaced by T.
Protein change: p.Arg680Trp; replaces arginine 680 with tryptophan.
Molecular consequence: missense variant.
Genome position (GRCh38, 1-based): chr14:23,397,182, G>A on the plus strand (C>T on the coding strand, the complement: MYH6 is on the minus strand). VCF-style: chr14-23397182-G-A. GRCh37 (hg19) VCF-style: chr14-23866391-G-A.
Other names: short protein forms R680W.
Identifiers: ClinVar variation 2452912 (VCV002452912.2), dbSNP rs576497958, ClinGen allele CA257790981.
Genomic context (GRCh38, chr14:23,397,182, plus strand): 5'-AGTGGATGCCAGCTGTCCTCCCCAGACTAAGGTCTTCTCCTGGCTCACCTGGAGCCTTCC[G>A]CTCATTGGGGATGATGCAACGCACAAAGTGAGGATGGGTGGTCCTCAGGTTGGTCATTAG-3'
Protein context (NP_002462.2, residues 670-690): HFVRCIIPNE[Arg680Trp]KAPGVMDNPL